The following is an entry in ClinVar:

NM_000297.4(PKD2):c.1853_1858del (p.Val618_Phe619del)

Gene: PKD2 (polycystin 2, transient receptor potential cation channel; plus strand). Cytogenetic location: 4q22.1.
Variant type: Deletion.
Coding change: c.1853_1858del on transcript NM_000297.4 (MANE Select); coding-DNA positions 1853 to 1858, 6 bases deleted (TCTTTG; older notation c.1853_1858delTCTTTG).
Protein change: p.Val618_Phe619del.
Molecular consequence: inframe deletion. On other transcripts: non-coding transcript variant (1).
Genome position (GRCh38, 1-based): chr4:88,056,222-88,056,227, TCTTTG deleted; deleting any 6 consecutive bases within chr4:88,056,219-88,056,227 gives the same sequence; the c. name uses the placement nearest the transcript's 3' end. VCF-style (leftmost placement, unchanged base first): chr4-88056218-CTTGTCT-C. GRCh37 (hg19) VCF-style: chr4-88977370-CTTGTCT-C.
Identifiers: ClinVar variation 3254859 (VCV003254859.1), dbSNP rs2475954161.

ClinVar aggregate classification (germline): Uncertain significance (1 of 4 stars; one submission).

Conditions:
Polycystic kidney disease 2 (PKD2). Also called: Polycystic Kidney Disease 2, Autosomal Dominant; POLYCYSTIC KIDNEY DISEASE, ADULT, TYPE II; POLYCYSTIC KIDNEY DISEASE 2 WITH OR WITHOUT POLYCYSTIC LIVER DISEASE. Identifiers: MedGen C2751306, MONDO:0013131, OMIM 613095.

Submission:

Victorian Clinical Genetics Services, Murdoch Childrens Research Institute
Classification: Uncertain significance for Polycystic kidney disease 2. Last evaluated: 2023-07-17. Review status: criteria provided, single submitter. Criteria: ACMG Guidelines, 2015. Collection method: clinical testing. Allele origin: germline. Inheritance: Autosomal dominant inheritance. Affected: yes.
Comment: Based on the classification scheme VCGS_Germline_v1.3.4, this variant is classified as VUS-3A. Following criteria are met: 0102 - Loss of function is a known mechanism of disease in this gene and is associated with polycystic kidney disease 2 (MIM#613095). (I) 0107 - This gene is associated with autosomal dominant disease. (I) 0213 - In-frame deletion in a non-repetitive region that has high conservation. (SP) 0251 - This variant is heterozygous. (I) 0301 - Variant is absent from gnomAD (both v2 and v3). (SP) 0309 - An amino acid change at the same position has been observed in gnomAD (v3) (1 heterozygote, 0 homozygotes). (I) 0600 - Variant is located in the annotated polycystin cation channel domain (DECIPHER). (I) 0705 - No comparable deletion or missense variants have previous evidence for pathogenicity. (I) 0807 - This variant has no previous evidence of pathogenicity. (I) 0905 - No published segregation evidence has been identified for this variant. (I) 1007 - No published functional evidence has been identified for this variant. (I) 1102 - Strong phenotype match for this individual. (SP) 1208 - Inheritance information for this variant is not currently available in this individual. (I) Legend: (SP) - Supporting pathogenic, (I) - Information, (SB) - Supporting benign